The following is an entry in ClinVar:

NC_000009.11:g.(?_140901199)_(140972730_?)dup

Gene: CACNA1B (calcium voltage-gated channel subunit alpha1 B; plus strand). Cytogenetic location: 9q34.3.
Variant type: Duplication.
Identifiers: ClinVar variation 2423358 (VCV002423358.4).

ClinVar aggregate classification (germline): Uncertain significance (1 of 4 stars; one submission).

Submission:

Labcorp Genetics (formerly Invitae), Labcorp
Classification: Uncertain significance. Last evaluated: 2022-05-03. Review status: criteria provided, single submitter. Criteria: Invitae Variant Classification Sherloc (09022015). Collection method: clinical testing. Allele origin: germline.
Comment: In summary, the available evidence is currently insufficient to determine the role of this variant in disease. Therefore, it has been classified as a Variant of Uncertain Significance. Experimental studies and prediction algorithms are not available or were not evaluated, and the functional significance of this variant is currently unknown. This variant has not been reported in the literature in individuals affected with CACNA1B-related conditions. This variant results in a copy number gain of the genomic region encompassing exon(s) 16-36 of the CACNA1B gene. While the exact position of this variant cannot be determined from the data, sub-genic copy number gains are generally in tandem (PMID: 25640679). This variant is predicted to be in-frame, and likely preserves the integrity of the reading frame.

Literature cited by the submitters: PubMed 25640679.